The following is an entry in ClinVar:

NM_021076.4(NEFH):c.1397TGACTGAAGAAG[1] (p.466VTEE[1])

Gene: NEFH (neurofilament heavy chain; plus strand). Cytogenetic location: 22q12.2.
Variant type: Microsatellite.
Coding change: c.1397TGACTGAAGAAG[1] on transcript NM_021076.4 (MANE Select); one copy of the 12-base unit TGACTGAAGAAG starting at c.1397; the reference has two copies in a row; one copy, 12 bases deleted; also written c.1409_1420del.
Protein change: p.466VTEE[1].
Molecular consequence: inframe deletion.
Genome position (GRCh38, 1-based): chr22:29,489,049-29,489,060, TGACTGAAGAAG deleted; deleting any 12 consecutive bases within chr22:29,489,034-29,489,060 gives the same sequence; the position shown is the placement nearest the transcript's 3' end. VCF-style (leftmost placement, unchanged base first): chr22-29489033-CAAGTGACTGAAG-C. GRCh37 (hg19) VCF-style: chr22-29885022-CAAGTGACTGAAG-C.
Other names: p.Val470_Glu473del; c.1409_1420del (NM_021076.4); c.1409_1420del12 (NM_021076.3).
Identifiers: ClinVar variation 1431021 (VCV001431021.12), dbSNP rs757011861, ClinGen allele CA10174202.

ClinVar aggregate classification (germline): Conflicting classifications of pathogenicity. Review status: criteria provided, conflicting classifications (1 of 4 stars). 5 submissions from 5 submitters: Uncertain significance (4); Likely benign (1). Last evaluated 2026-04-03.

Conditions:
Inborn genetic diseases. Identifiers: MedGen C0950123, MeSH D030342.
NEFH-related disorder. Also called: NEFH-related condition.

Submissions (5):

PreventionGenetics, part of Exact Sciences
Classification: Uncertain significance for NEFH-related condition. Last evaluated: 2026-04-03. Review status: criteria provided, single submitter. Criteria: ACMG Guidelines, 2015. Collection method: clinical testing. Allele origin: germline.
Comment: The NEFH c.1409_1420del12 variant is predicted to result in an in-frame deletion (p.Val470_Glu473del). To our knowledge, this variant has not been reported in the literature. This variant is reported in 0.0080% of alleles in individuals of African descent in gnomAD. At this time, the clinical significance of this variant is uncertain due to the absence of conclusive functional and genetic evidence.

Labcorp Genetics (formerly Invitae), Labcorp
Classification: Uncertain significance. Last evaluated: 2025-11-22. Review status: criteria provided, single submitter. Criteria: Invitae Variant Classification Sherloc (09022015). Collection method: clinical testing. Allele origin: germline.
Comment: This variant, c.1409_1420del, results in the deletion of 4 amino acid(s) of the NEFH protein (p.Val470_Glu473del), but otherwise preserves the integrity of the reading frame. This variant is present in population databases (rs757011861, gnomAD 0.009%). This variant has not been reported in the literature in individuals affected with NEFH-related conditions. ClinVar contains an entry for this variant (Variation ID: 1431021). Experimental studies and prediction algorithms are not available or were not evaluated, and the functional significance of this variant is currently unknown. In summary, the available evidence is currently insufficient to determine the role of this variant in disease. Therefore, it has been classified as a Variant of Uncertain Significance.

Mayo Clinic Laboratories, Mayo Clinic
Classification: Uncertain significance. Last evaluated: 2024-10-22. Review status: criteria provided, single submitter. Criteria: ACMG Guidelines, 2015. Collection method: clinical testing. Allele origin: germline. Observed: 2 variant alleles.
Comment: BS2, PM4

GeneDx
Classification: Uncertain significance. Last evaluated: 2023-09-11. Review status: criteria provided, single submitter. Criteria: GeneDx Variant Classification Process June 2021. Collection method: clinical testing. Allele origin: germline.
Comment: In-frame deletion of 4 amino acids in a non-repeat region; In silico analysis supports a deleterious effect on protein structure/function; Has not been previously published as pathogenic or benign to our knowledge

Ambry Genetics
Classification: Likely benign for Inborn genetic diseases. Last evaluated: 2021-09-22. Review status: criteria provided, single submitter. Criteria: Ambry Variant Classification Scheme 2023. Collection method: clinical testing. Allele origin: germline.